The following is an entry in ClinVar:

NM_001378609.3(OTOGL):c.5626G>C (p.Ala1876Pro)

Gene: OTOGL (otogelin like; plus strand). Cytogenetic location: 12q21.31.
Variant type: single nucleotide variant.
Coding change: c.5626G>C on transcript NM_001378609.3 (MANE Select); coding-DNA position 5626, G replaced by C.
Protein change: p.Ala1876Pro; replaces alanine 1876 with proline.
Molecular consequence: missense variant.
Genome position (GRCh38, 1-based): chr12:80,355,768, G>C. VCF-style: chr12-80355768-G-C. GRCh37 (hg19) VCF-style: chr12-80749548-G-C.
Other names: c.5491G>C, p.Ala1831Pro (NM_001368062.3); c.5626G>C, p.Ala1876Pro (NM_001378610.3, NM_173591.7); short protein forms A1831P, A1876P.
Identifiers: ClinVar variation 3381433 (VCV003381433.1).
Genomic context (GRCh38, chr12:80,355,768, plus strand): 5'-GTGTTATAATACTGTTGATCTTTTTAAGCATGCACTGATAGTGAAGACCAACCCCGCACT[G>C]CTGGGGAGATTTGGAATGGGGGCATTGATGAATGCACTCTATACAAATGTTTGGAGAATG-3'
Protein context (NP_001365538.2, residues 1866-1886): CTDSEDQPRT[Ala1876Pro]GEIWNGGIDE

ClinVar aggregate classification (germline): Uncertain significance (1 of 4 stars; one submission).

gnomAD v4.1: 18 of 1,613,644 alleles (0.0011%); highest among the groups gnomAD compares: Admixed American, 0.028%; no homozygotes.

Submission:

GeneDx
Classification: Uncertain significance. Last evaluated: 2024-05-24. Review status: criteria provided, single submitter. Criteria: GeneDx Variant Classification Process June 2021. Collection method: clinical testing. Allele origin: germline. Affected: yes.
Comment: In silico analysis supports that this missense variant does not alter protein structure/function; Has not been previously published as pathogenic or benign to our knowledge